The following is an entry in ClinVar:

NM_005530.3(IDH3A):c.801C>T (p.Ile267=)

Gene: IDH3A (isocitrate dehydrogenase (NAD(+)) 3 catalytic subunit alpha; plus strand). Cytogenetic location: 15q25.1.
Variant type: single nucleotide variant.
Coding change: c.801C>T on transcript NM_005530.3 (MANE Select); coding-DNA position 801, C replaced by T.
Protein change: p.Ile267=; no amino-acid change (isoleucine 267 retained).
Molecular consequence: synonymous variant.
Genome position (GRCh38, 1-based): chr15:78,165,013, C>T. VCF-style: chr15-78165013-C-T. GRCh37 (hg19) VCF-style: chr15-78457355-C-T.
Other names: c.801C>T (NM_005530.2).
Identifiers: ClinVar variation 1134762 (VCV001134762.11), dbSNP rs377128251, ClinGen allele CA7680681.

ClinVar aggregate classification (germline): Likely benign. Review status: criteria provided, multiple submitters, no conflicts (2 of 4 stars). 3 submissions from 3 submitters: Likely benign (3). Last evaluated 2026-05-11.

Conditions:
IDH3A-related disorder. Also called: IDH3A-related condition.

Allele frequency attached by ClinVar (database versions not stated): gnomAD exomes 0.00009 and 0.00027; ESP Exome Variant Server 0.00015; 1000 Genomes Project 30x 0.00016; ExAC 0.00019; TOPMed 0.00019; 1000 Genomes Project 0.00020; gnomAD 0.00033 and 0.00036.
gnomAD v4.1: 176 of 1,613,352 alleles (0.011%); highest among the groups gnomAD compares: African/African-American, 0.044%; no homozygotes.

Submissions (3):

PreventionGenetics, part of Exact Sciences
Classification: Likely benign for IDH3A-related condition. Last evaluated: 2026-05-11. Review status: criteria provided, single submitter. Criteria: ACMG Guidelines, 2015. Collection method: clinical testing. Allele origin: germline.
Comment: This variant is classified as likely benign based on ACMG/AMP sequence variant interpretation guidelines (Richards et al. 2015 PMID: 25741868, with internal and published modifications).

Labcorp Genetics (formerly Invitae), Labcorp
Classification: Likely benign. Last evaluated: 2025-12-26. Review status: criteria provided, single submitter. Criteria: Invitae Variant Classification Sherloc (09022015). Collection method: clinical testing. Allele origin: germline.

Blueprint Genetics
Classification: Likely benign. Last evaluated: 2024-03-19. Review status: criteria provided, single submitter. Criteria: ACMG Guidelines, 2015. Collection method: clinical testing. Allele origin: germline.